The following is an entry in ClinVar:

ClinVar aggregate classification (germline): Uncertain significance (0 of 4 stars; one submission).

Conditions:
ABCC2-related disorder. Also called: ABCC2-related condition.

gnomAD v4.1: 12 of 1,613,994 alleles (0.00074%); highest among the groups gnomAD compares: Middle Eastern, 0.016%; no homozygotes.

Submission:

PreventionGenetics, part of Exact Sciences
Classification: Uncertain significance for ABCC2-related condition. Last evaluated: 2024-07-09. Review status: no assertion criteria provided. Collection method: clinical testing. Allele origin: germline.
Comment: The ABCC2 c.1768C>T variant is predicted to result in the amino acid substitution p.Arg590Cys. To our knowledge, this variant has not been reported in the literature. This variant is reported in 0.0018% of alleles in individuals of European (Non-Finnish) descent in gnomAD. At this time, the clinical significance of this variant is uncertain due to the absence of conclusive functional and genetic evidence.

NM_000392.5(ABCC2):c.1768C>T (p.Arg590Cys)

Gene: ABCC2 (ATP binding cassette subfamily C member 2; plus strand). Cytogenetic location: 10q24.2.
Variant type: single nucleotide variant.
Coding change: c.1768C>T on transcript NM_000392.5 (MANE Select); coding-DNA position 1768, C replaced by T.
Protein change: p.Arg590Cys; replaces arginine 590 with cysteine.
Molecular consequence: missense variant.
Genome position (GRCh38, 1-based): chr10:99,808,182, C>T. VCF-style: chr10-99808182-C-T. GRCh37 (hg19) VCF-style: chr10-101567939-C-T.
Other names: short protein forms R590C.
Identifiers: ClinVar variation 3357052 (VCV003357052.1).